The following is an entry in ClinVar:

NM_144670.6(A2ML1):c.3070A>C (p.Ser1024Arg)

Gene: A2ML1 (alpha-2-macroglobulin like 1; plus strand). Cytogenetic location: 12p13.31.
Variant type: single nucleotide variant.
Coding change: c.3070A>C on transcript NM_144670.6 (MANE Select); coding-DNA position 3070, A replaced by C.
Protein change: p.Ser1024Arg; replaces serine 1024 with arginine.
Molecular consequence: missense variant.
Genome position (GRCh38, 1-based): chr12:8,857,551, A>C. VCF-style: chr12-8857551-A-C. GRCh37 (hg19) VCF-style: chr12-9010147-A-C.
Other names: c.1597A>C, p.Ser533Arg (NM_001282424.3); short protein forms S1024R, S533R.
Identifiers: ClinVar variation 2850385 (VCV002850385.3), dbSNP rs746100739, ClinGen allele CA6436243.

ClinVar aggregate classification (germline): Uncertain significance (1 of 4 stars; one submission).

Allele frequency attached by ClinVar (database versions not stated): TOPMed below 0.00001; ExAC 0.00001; gnomAD exomes below 0.00001; gnomAD 0.00001.
gnomAD v4.1: 2 of 1,612,158 alleles (0.00012%); highest among the groups gnomAD compares: Admixed American, 0.0017%; no homozygotes.

Submission:

Labcorp Genetics (formerly Invitae), Labcorp
Classification: Uncertain significance. Last evaluated: 2025-04-25. Review status: criteria provided, single submitter. Criteria: Invitae Variant Classification Sherloc (09022015). Collection method: clinical testing. Allele origin: germline.
Comment: This sequence change replaces serine, which is neutral and polar, with arginine, which is basic and polar, at codon 1024 of the A2ML1 protein (p.Ser1024Arg). This variant is not present in population databases (gnomAD no frequency). This variant has not been reported in the literature in individuals affected with A2ML1-related conditions. ClinVar contains an entry for this variant (Variation ID: 2850385). An algorithm developed to predict the effect of missense changes on protein structure and function (PolyPhen-2) suggests that this variant is likely to be disruptive. In summary, the available evidence is currently insufficient to determine the role of this variant in disease. Therefore, it has been classified as a Variant of Uncertain Significance.